The following is an entry in ClinVar:

ClinVar aggregate classification (germline): Likely pathogenic (3 of 4 stars; one submission).

Conditions:
RPGR-related retinopathy. Also called: RPGR retinopathy. Identifiers: MedGen CN305589, MONDO:0100437.

Submission:

ClinGen X-linked Inherited Retinal Disease Variant Curation Expert Panel, ClinGen
Classification: Likely pathogenic for RPGR-related retinopathy. Last evaluated: 2026-01-25. Review status: reviewed by expert panel. Criteria: ClinGen X LinkedIRD ACMG Specifications RPGR V1.0.0. Collection method: curation. Allele origin: germline. Inheritance: X-linked inheritance.
Comment: NM_001034853.2(RPGR):c.1572+3A>G is a non-coding variant in intron 13 that is located outside the +/- 1,2 dinucleotide. The splicing impact predictor SpliceAI gives delta scores of 0.83 for donor gain and 0.47 for donor loss, which are above the ClinGen X-linked IRD VCEP recommended threshold of ≥0.2 and predict a damaging impact on splicing (PP3). Another predicted splicing variant in the same nucleotide, NM_001034853.2(RPGR):c.1572+3A>T, was previously classified as pathogenic for RPGR-related retinopathy by ClinGen X-linked IRD VCEP (PS1). This variant is absent from gnomAD v4.1.0 (PM2_Supporting). At least one proband harboring this variant exhibits a phenotype including early age of onset (1 pt), night blindness (0.5 pts), pigmentary retinopathy (0.5 pts) optic disc pallor (0.5 pts), decreased central visual acuity (0.5 pts), and visual field constriction (0.5 pts), with genotyping by next-generation sequencing identifying no alternative basis for retinal disease (2 pts), which together are specific for RPGR-related retinopathy (5.5 points, personal communication with an expert related to the X-linked IRD VCEP, PP4). This variant has been identified as a de novo occurrence with confirmed parental relationships in 1 individual meeting the PS2 requirement of some functional vision impairment in affected males by age 30 years, and/or decreased or absent electroretinogram responses (1 point, PS2_Moderate, personal communications with an expert related to X-linked IRD VCEP). The exon skipping was reportedly validated by splicing assay showing exon skipping (personal communication with an expert related to the X-linked IRD VCEP). This finding was not applied to meet PS3_Supporting as it comes from an unpublished study. In summary, this variant is classified as likely pathogenic for RPGR-related retinopathy based on the ClinGen X-linked Inherited Retinal Disease Expert Panel Specifications to the ACMG/AMP Variant Interpretation Guidelines for RPGR Version 1.0.0; PS1, PS2_Moderate, PM2_Supporting, PP3, and PP4.

NM_001034853.2(RPGR):c.1572+3A>G

Gene: RPGR (retinitis pigmentosa GTPase regulator; minus strand).
Variant type: single nucleotide variant.
Coding change: c.1572+3A>G on transcript NM_001034853.2 (MANE Select); 3 bases into the intron after coding-DNA position 1572, A replaced by G.
Molecular consequence: intron variant.
Other names: NM_001034853.2:c.1572+3A>G; c.1569+3A>G (NM_001367249.1, NM_001367250.1, NM_001367245.1); c.1386+3A>G (NM_001367251.1, NM_001367246.1); c.1572+3A>G (NM_001367247.1, NM_000328.3); c.1602+3A>G (NM_001367248.1).
Identifiers: ClinVar variation 4686678 (VCV004686678.1).